The following is an entry in ClinVar:

ClinVar aggregate classification (germline): Uncertain significance (1 of 4 stars; one submission).

Conditions:
RASopathy. Also called: Noonan spectrum disorder; rasopathies. Identifiers: Orphanet 536391, MedGen C5555857, MONDO:0021060.

Submission:

Labcorp Genetics (formerly Invitae), Labcorp
Classification: Uncertain significance for RASopathy. Last evaluated: 2023-06-20. Review status: criteria provided, single submitter. Criteria: Invitae Variant Classification Sherloc (09022015). Collection method: clinical testing. Allele origin: germline.
Comment: In summary, the available evidence is currently insufficient to determine the role of this variant in disease. Therefore, it has been classified as a Variant of Uncertain Significance. This variant has not been reported in the literature in individuals affected with CBL-related conditions. This variant is not present in population databases (gnomAD no frequency). This sequence change creates a premature translational stop signal (p.Glu613*) in the CBL gene. It is expected to result in an absent or disrupted protein product. However, the current clinical and genetic evidence is not sufficient to establish whether loss-of-function variants in CBL cause disease.

NM_005188.4(CBL):c.1837G>T (p.Glu613Ter)

Gene: CBL (Cbl proto-oncogene; plus strand). Cytogenetic location: 11q23.3.
Variant type: single nucleotide variant.
Coding change: c.1837G>T on transcript NM_005188.4 (MANE Select); coding-DNA position 1837, G replaced by T.
Protein change: p.Glu613Ter; replaces glutamic acid 613 with a stop codon.
Molecular consequence: nonsense.
Genome position (GRCh38, 1-based): chr11:119,285,462, G>T. VCF-style: chr11-119285462-G-T. GRCh37 (hg19) VCF-style: chr11-119156172-G-T.
Other names: short protein forms E613*.
Identifiers: ClinVar variation 2720092 (VCV002720092.3), dbSNP rs2135310875, ClinGen allele CA382920612.